The following is an entry in ClinVar:

ClinVar aggregate classification (germline): Uncertain significance (1 of 4 stars; one submission).

Conditions:
Early Myoclonic Encephalopathy. Identifiers: MedGen C0270855.

Allele frequency attached by ClinVar (database versions not stated): gnomAD exomes below 0.00001; ExAC 0.00001.
gnomAD v4.1: 3 of 1,614,104 alleles (0.00019%); highest among the groups gnomAD compares: Admixed American, 0.0017%; no homozygotes.

Submission:

Labcorp Genetics (formerly Invitae), Labcorp
Classification: Uncertain significance for Early Myoclonic Encephalopathy. Last evaluated: 2025-04-29. Review status: criteria provided, single submitter. Criteria: Invitae Variant Classification Sherloc (09022015). Collection method: clinical testing. Allele origin: germline.
Comment: This sequence change replaces serine, which is neutral and polar, with threonine, which is neutral and polar, at codon 1368 of the JMJD1C protein (p.Ser1368Thr). This variant is present in population databases (rs747127923, gnomAD 0.003%). This variant has not been reported in the literature in individuals affected with JMJD1C-related conditions. ClinVar contains an entry for this variant (Variation ID: 529716). Invitae Evidence Modeling of protein sequence and biophysical properties (such as structural, functional, and spatial information, amino acid conservation, physicochemical variation, residue mobility, and thermodynamic stability) indicates that this missense variant is not expected to disrupt JMJD1C protein function with a negative predictive value of 80%. In summary, the available evidence is currently insufficient to determine the role of this variant in disease. Therefore, it has been classified as a Variant of Uncertain Significance.

NM_032776.3(JMJD1C):c.4102T>A (p.Ser1368Thr)

Gene: JMJD1C (jumonji domain containing 1C; minus strand). Cytogenetic location: 10q21.3.
Variant type: single nucleotide variant.
Coding change: c.4102T>A on transcript NM_032776.3 (MANE Select); coding-DNA position 4102, T replaced by A.
Protein change: p.Ser1368Thr; replaces serine 1368 with threonine.
Molecular consequence: missense variant. On other transcripts: non-coding transcript variant (1).
Genome position (GRCh38, 1-based): chr10:63,207,567, A>T on the plus strand (T>A on the coding strand, the complement: JMJD1C is on the minus strand). VCF-style: chr10-63207567-A-T. GRCh37 (hg19) VCF-style: chr10-64967327-A-T.
Other names: c.3556T>A, p.Ser1186Thr (NM_001282948.2, NM_001318154.2); c.3238T>A, p.Ser1080Thr (NM_001318153.2); c.3988T>A, p.Ser1330Thr (NM_001322252.2); c.3445T>A, p.Ser1149Thr (NM_001322254.2, NM_001322258.2); short protein forms S1368T, S1330T, S1149T, S1080T, S1186T.
Identifiers: ClinVar variation 529716 (VCV000529716.8), dbSNP rs747127923, ClinGen allele CA5518325.